The following is an entry in ClinVar:

NM_021072.4(HCN1):c.629C>G (p.Pro210Arg)

Gene: HCN1 (hyperpolarization activated cyclic nucleotide gated potassium channel 1; minus strand). Cytogenetic location: 5p12.
Variant type: single nucleotide variant.
Coding change: c.629C>G on transcript NM_021072.4 (MANE Select); coding-DNA position 629, C replaced by G.
Protein change: p.Pro210Arg; replaces proline 210 with arginine.
Molecular consequence: missense variant.
Genome position (GRCh38, 1-based): chr5:45,645,405, G>C on the plus strand (C>G on the coding strand, the complement: HCN1 is on the minus strand). VCF-style: chr5-45645405-G-C. GRCh37 (hg19) VCF-style: chr5-45645507-G-C.
Other names: short protein forms P210R.
Identifiers: ClinVar variation 3781194 (VCV003781194.1).

ClinVar aggregate classification (germline): Uncertain significance (1 of 4 stars; one submission).

Submission:

GeneDx
Classification: Uncertain significance. Last evaluated: 2024-10-15. Review status: criteria provided, single submitter. Criteria: GeneDx Variant Classification Process June 2021. Collection method: clinical testing. Allele origin: germline. Affected: yes.
Comment: Not observed at significant frequency in large population cohorts (gnomAD); In silico analysis supports that this missense variant has a deleterious effect on protein structure/function; Has not been previously published as pathogenic or benign to our knowledge